The following is an entry in ClinVar:

NM_022132.5(MCCC2):c.69del (p.His24fs)

Gene: MCCC2 (methylcrotonyl-CoA carboxylase subunit 2; plus strand). Cytogenetic location: 5q13.2.
Variant type: Deletion.
Coding change: c.69del on transcript NM_022132.5 (MANE Select); coding-DNA position 69, one base deleted (T; older notation c.69delT).
Protein change: p.His24fs; shifts the reading frame from histidine 24.
Molecular consequence: frameshift variant.
Genome position (GRCh38, 1-based): chr5:71,587,494, T deleted. VCF-style (leftmost placement, unchanged base first): chr5-71587493-AT-A. GRCh37 (hg19) VCF-style: chr5-70883320-AT-A.
Other names: c.69del, p.His24fs (NM_001363147.1); short protein forms H24fs.
Identifiers: ClinVar variation 2868871 (VCV002868871.3), dbSNP rs2530684414, ClinGen allele CA2739274756.

ClinVar aggregate classification (germline): Pathogenic (1 of 4 stars; one submission).

Conditions:
3-methylcrotonyl-CoA carboxylase 2 deficiency. Also called: 3 alpha methylcrotonyl-CoA carboxylase 2 deficiency; 3 alpha methylcrotonylglycinuria 2; MCC 2 deficiency; Methylcrotonylglycinuria type 2; METHYLCROTONYLGLYCINURIA, TYPE II. Identifiers: Orphanet 6, MedGen C1859499, MONDO:0008862, OMIM 210210.

Submission:

Labcorp Genetics (formerly Invitae), Labcorp
Classification: Pathogenic for 3-methylcrotonyl-CoA carboxylase 2 deficiency. Last evaluated: 2023-05-28. Review status: criteria provided, single submitter. Criteria: Invitae Variant Classification Sherloc (09022015). Collection method: clinical testing. Allele origin: germline.
Comment: For these reasons, this variant has been classified as Pathogenic. This variant has not been reported in the literature in individuals affected with MCCC2-related conditions. This variant is not present in population databases (gnomAD no frequency). This sequence change creates a premature translational stop signal (p.His24Thrfs*26) in the MCCC2 gene. It is expected to result in an absent or disrupted protein product. Loss-of-function variants in MCCC2 are known to be pathogenic (PMID: 11181649, 22642865).

Literature cited by the submitters: PubMed 11181649; PubMed 22642865.